The following is an entry in ClinVar:

NM_001122630.2(CDKN1C):c.589C>G (p.Pro197Ala)

Gene: CDKN1C (cyclin dependent kinase inhibitor 1C; minus strand). Cytogenetic location: 11p15.4.
Variant type: single nucleotide variant.
Coding change: c.589C>G on transcript NM_001122630.2 (MANE Select); coding-DNA position 589, C replaced by G.
Protein change: p.Pro197Ala; replaces proline 197 with alanine.
Molecular consequence: missense variant. On other transcripts: intron variant (1).
Genome position (GRCh38, 1-based): chr11:2,884,868, G>C on the plus strand (C>G on the coding strand, the complement: CDKN1C is on the minus strand). VCF-style: chr11-2884868-G-C. GRCh37 (hg19) VCF-style: chr11-2906098-G-C.
Other names: c.622C>G, p.Pro208Ala (NM_000076.2, NM_001362474.2); c.589C>G, p.Pro197Ala (NM_001122631.2); c.255+334C>G (NM_001362475.2); short protein forms P208A, P197A.
Identifiers: ClinVar variation 2144025 (VCV002144025.5), dbSNP rs1848933297, ClinGen allele CA379146260.

ClinVar aggregate classification (germline): Uncertain significance. Review status: criteria provided, multiple submitters, no conflicts (2 of 4 stars). 2 submissions from 2 submitters: Uncertain significance (2). Last evaluated 2026-08-17.

Conditions:
Beckwith-Wiedemann syndrome (BWS). Also called: EMG SYNDROME; Exomphalos macroglossia gigantism syndrome. Identifiers: Orphanet 116, MedGen C0004903, MONDO:0007534, OMIM 130650.
CDKN1C-related disorder. Also called: CDKN1C-related condition.

Allele frequency attached by ClinVar (database versions not stated): gnomAD 0.00001.

Submissions (2):

PreventionGenetics, part of Exact Sciences
Classification: Uncertain significance for CDKN1C-related condition. Last evaluated: 2026-08-17. Review status: criteria provided, single submitter. Criteria: ACMG Guidelines, 2015. Collection method: clinical testing. Allele origin: germline.
Comment: The CDKN1C c.622C>G variant is predicted to result in the amino acid substitution p.Pro208Ala. To our knowledge, this variant has not been reported in the literature or in a large population database (gnomAD), indicating this variant is rare. It is interpreted as variant of uncertain significance in ClinVar (Variation ID: 2144025). At this time, the clinical significance of this variant is uncertain due to the absence of conclusive functional and genetic evidence.

Labcorp Genetics (formerly Invitae), Labcorp
Classification: Uncertain significance for Beckwith-Wiedemann syndrome. Last evaluated: 2022-08-19. Review status: criteria provided, single submitter. Criteria: Invitae Variant Classification Sherloc (09022015). Collection method: clinical testing. Allele origin: germline.
Comment: The frequency data for this variant in the population databases is considered unreliable, as metrics indicate insufficient coverage at this position in the gnomAD database. This sequence change replaces proline, which is neutral and non-polar, with alanine, which is neutral and non-polar, at codon 208 of the CDKN1C protein (p.Pro208Ala). In summary, the available evidence is currently insufficient to determine the role of this variant in disease. Therefore, it has been classified as a Variant of Uncertain Significance. Algorithms developed to predict the effect of missense changes on protein structure and function are either unavailable or do not agree on the potential impact of this missense change (SIFT: "Tolerated"; PolyPhen-2: "Not Available"; Align-GVGD: "Class C0"). This variant has not been reported in the literature in individuals affected with CDKN1C-related conditions.